The following is an entry in ClinVar:

NM_006231.4(POLE):c.4269C>T (p.Ile1423=)

Gene: POLE (DNA polymerase epsilon, catalytic subunit; minus strand). Cytogenetic location: 12q24.33.
Variant type: single nucleotide variant.
Coding change: c.4269C>T on transcript NM_006231.4 (MANE Select); coding-DNA position 4269, C replaced by T.
Protein change: p.Ile1423=; no amino-acid change (isoleucine 1423 retained).
Molecular consequence: synonymous variant.
Genome position (GRCh38, 1-based): chr12:132,643,858, G>A on the plus strand (C>T on the coding strand, the complement: POLE is on the minus strand). VCF-style: chr12-132643858-G-A. GRCh37 (hg19) VCF-style: chr12-133220444-G-A.
Identifiers: ClinVar variation 385780 (VCV000385780.38), dbSNP rs761413102, ClinGen allele CA6892927.

ClinVar aggregate classification (germline): Likely benign. Review status: criteria provided, multiple submitters, no conflicts (2 of 4 stars). 8 submissions from 8 submitters: Likely benign (8). Last evaluated 2026-01-13.

Conditions:
Colorectal cancer, susceptibility to, 12 (CRCS12). Also called: COLORECTAL CANCER, SUSCEPTIBILITY TO, ON CHROMOSOME 12q24. Identifiers: Orphanet 220460, MedGen C3554460, MONDO:0014038, OMIM 615083.
Hereditary cancer-predisposing syndrome. Also called: Neoplastic Syndromes, Hereditary; Hereditary neoplastic syndrome; Tumor predisposition; Hereditary Cancer Syndrome. Identifiers: Orphanet 140162, MedGen C0027672, MeSH D009386, MONDO:0015356.

Allele frequency attached by ClinVar (database versions not stated): ExAC 0.00002; gnomAD exomes 0.00002 and 0.00014; TOPMed 0.00002; gnomAD 0.00003.
gnomAD v4.1: 211 of 1,614,008 alleles (0.013%); highest among the groups gnomAD compares: Middle Eastern, 0.033%; no homozygotes.

Submissions (8):

Labcorp Genetics (formerly Invitae), Labcorp
Classification: Likely benign. Last evaluated: 2026-01-13. Review status: criteria provided, single submitter. Criteria: Invitae Variant Classification Sherloc (09022015). Collection method: clinical testing. Allele origin: germline.

Blueprint Genetics
Classification: Likely benign. Last evaluated: 2024-11-13. Review status: criteria provided, single submitter. Criteria: ACMG Guidelines, 2015. Collection method: clinical testing. Allele origin: germline.

CeGaT Center for Human Genetics Tuebingen
Classification: Likely benign. Last evaluated: 2024-08-01. Review status: criteria provided, single submitter. Criteria: CeGaT Center For Human Genetics Tuebingen Variant Classification Criteria Version 2. Collection method: clinical testing. Allele origin: germline. Affected: yes. Observed: 1 variant allele.
Comment: POLE: BP4, BP7

KCCC/NGS Laboratory, Kuwait Cancer Control Center
Classification: Likely benign for Colorectal cancer, susceptibility to, 12. Last evaluated: 2023-07-07. Review status: criteria provided, single submitter. Criteria: ACMG Guidelines, 2015. Collection method: clinical testing. Allele origin: germline. Affected: yes.

GeneDx
Classification: Likely benign. Last evaluated: 2021-01-22. Review status: criteria provided, single submitter. Criteria: GeneDx Variant Classification Process June 2021. Collection method: clinical testing. Allele origin: germline. Affected: yes.

Women's Health and Genetics/Laboratory Corporation of America, LabCorp
Classification: Likely benign. Last evaluated: 2020-01-31. Review status: criteria provided, single submitter. Criteria: LabCorp Variant Classification Summary - May 2015. Collection method: clinical testing. Allele origin: germline.

Quest Diagnostics Nichols Institute San Juan Capistrano
Classification: Likely benign. Last evaluated: 2017-10-30. Review status: criteria provided, single submitter. Criteria: Quest Diagnostics criteria. Collection method: clinical testing. Allele origin: germline.

Ambry Genetics
Classification: Likely benign for Hereditary cancer-predisposing syndrome. Last evaluated: 2015-11-25. Review status: criteria provided, single submitter. Criteria: Ambry Variant Classification Scheme 2023. Collection method: clinical testing. Allele origin: germline.